The following is an entry in ClinVar:

NM_201384.3(PLEC):c.2371G>A (p.Val791Ile)

Gene: PLEC (plectin; minus strand). Cytogenetic location: 8q24.3.
Variant type: single nucleotide variant.
Coding change: c.2371G>A on transcript NM_201384.3 (MANE Select); coding-DNA position 2371, G replaced by A.
Protein change: p.Val791Ile; replaces valine 791 with isoleucine.
Molecular consequence: missense variant.
Genome position (GRCh38, 1-based): chr8:143,930,470, C>T on the plus strand (G>A on the coding strand, the complement: PLEC is on the minus strand). VCF-style: chr8-143930470-C-T. GRCh37 (hg19) VCF-style: chr8-145004638-C-T.
Other names: c.2452G>A, p.Val818Ile (NM_000445.5); c.2329G>A, p.Val777Ile (NM_201378.4); c.2305G>A, p.Val769Ile (NM_201379.3); c.2782G>A, p.Val928Ile (NM_201380.4); c.2275G>A, p.Val759Ile (NM_201381.3); c.2371G>A, p.Val791Ile (NM_201382.4); c.2383G>A, p.Val795Ile (NM_201383.3); short protein forms V759I, V769I, V777I, V791I, V795I, V818I, V928I.
Identifiers: ClinVar variation 1022525 (VCV001022525.5), dbSNP rs562442802, ClinGen allele CA4927557.

ClinVar aggregate classification (germline): Uncertain significance (1 of 4 stars; one submission).

Conditions:
Epidermolysis bullosa simplex with nail dystrophy (EBS5D). Identifiers: MedGen C4225309, MONDO:0014661, OMIM 616487.
Epidermolysis bullosa simplex 5B, with muscular dystrophy (EBS5B). Also called: EPIDERMOLYSIS BULLOSA SIMPLEX AND LIMB-GIRDLE MUSCULAR DYSTROPHY; Epidermolysis bullosa simplex with muscular dystrophy. Identifiers: Orphanet 257, MedGen C2931072, MONDO:0009181, OMIM 226670.
Epidermolysis bullosa simplex, Ogna type (EBS5A). Also called: Pidermolysis bullosa simplex 5A, Ogna type; EPIDERMOLYSIS BULLOSA SIMPLEX 5A, OGNA TYPE. Identifiers: Orphanet 79401, MedGen C0432317, MONDO:0007555, OMIM 131950.
Epidermolysis bullosa simplex 5C, with pyloric atresia (EBS5C). Also called: PLEC-Related Epidermolysis Bullosa with Pyloric Atresia; Epidermolysis bullosa simplex with pyloric atresia; PLEC1-Related Epidermolysis Bullosa with Pyloric Atresia. Identifiers: Orphanet 158684, MedGen C2677349, MONDO:0012807, OMIM 612138.
Autosomal recessive limb-girdle muscular dystrophy type 2Q (LGMDR17). Also called: MUSCULAR DYSTROPHY, LIMB-GIRDLE, AUTOSOMAL RECESSIVE 17. Identifiers: Orphanet 254361, MedGen C3150989, MONDO:0013390, OMIM 613723.

Allele frequency attached by ClinVar (database versions not stated): gnomAD exomes 0.00002; ExAC 0.00003; gnomAD 0.00003; TOPMed 0.00003; 1000 Genomes Project 30x 0.00016; 1000 Genomes Project 0.00020.
gnomAD v4.1: 52 of 1,590,214 alleles (0.0033%); highest among the groups gnomAD compares: South Asian, 0.039%; no homozygotes.

Submission:

Labcorp Genetics (formerly Invitae), Labcorp
Classification: Uncertain significance for Autosomal recessive limb-girdle muscular dystrophy type 2Q; Epidermolysis bullosa simplex, Ogna type; Epidermolysis bullosa simplex with nail dystrophy; Epidermolysis bullosa simplex 5C, with pyloric atresia; Epidermolysis bullosa simplex 5B, with muscular dystrophy. Last evaluated: 2024-11-26. Review status: criteria provided, single submitter. Criteria: Invitae Variant Classification Sherloc (09022015). Collection method: clinical testing. Allele origin: germline.
Comment: This sequence change replaces valine, which is neutral and non-polar, with isoleucine, which is neutral and non-polar, at codon 818 of the PLEC protein (p.Val818Ile). The frequency data for this variant in the population databases is considered unreliable, as metrics indicate poor data quality at this position in the gnomAD database. This variant has not been reported in the literature in individuals affected with PLEC-related conditions. ClinVar contains an entry for this variant (Variation ID: 1022525). An algorithm developed to predict the effect of missense changes on protein structure and function outputs the following: PolyPhen-2: "Not Available". The isoleucine amino acid residue is found in multiple mammalian species, which suggests that this missense change does not adversely affect protein function. In summary, the available evidence is currently insufficient to determine the role of this variant in disease. Therefore, it has been classified as a Variant of Uncertain Significance.